The following is an entry in ClinVar:

NM_006904.7(PRKDC):c.7484C>T (p.Ser2495Phe)

Gene: PRKDC (protein kinase, DNA-activated, catalytic subunit; minus strand). Cytogenetic location: 8q11.21.
Variant type: single nucleotide variant.
Coding change: c.7484C>T on transcript NM_006904.7 (MANE Select); coding-DNA position 7484, C replaced by T.
Protein change: p.Ser2495Phe; replaces serine 2495 with phenylalanine.
Molecular consequence: missense variant.
Genome position (GRCh38, 1-based): chr8:47,839,217, G>A on the plus strand (C>T on the coding strand, the complement: PRKDC is on the minus strand). VCF-style: chr8-47839217-G-A. GRCh37 (hg19) VCF-style: chr8-48751778-G-A.
Other names: c.7484C>T, p.Ser2495Phe (NM_001081640.2); short protein forms S2495F.
Identifiers: ClinVar variation 2564511 (VCV002564511.2), dbSNP rs2551867751, ClinGen allele CA371154673.

ClinVar aggregate classification (germline): Uncertain significance (1 of 4 stars; one submission).

Submission:

Ambry Genetics
Classification: Uncertain significance. Last evaluated: 2023-03-31. Review status: criteria provided, single submitter. Criteria: Ambry Variant Classification Scheme 2023. Collection method: clinical testing. Allele origin: germline.
Comment: The p.S2495F variant (also known as c.7484C>T), located in coding exon 56 of the PRKDC gene, results from a C to T substitution at nucleotide position 7484. The serine at codon 2495 is replaced by phenylalanine, an amino acid with highly dissimilar properties. This amino acid position is conserved. Since supporting evidence is limited at this time, the clinical significance of this alteration remains unclear.